The following is an entry in ClinVar:

NM_000081.4(LYST):c.7197G>A (p.Met2399Ile)

Gene: LYST (lysosomal trafficking regulator; minus strand). Cytogenetic location: 1q42.3.
Variant type: single nucleotide variant.
Coding change: c.7197G>A on transcript NM_000081.4 (MANE Select); coding-DNA position 7197, G replaced by A.
Protein change: p.Met2399Ile; replaces methionine 2399 with isoleucine.
Molecular consequence: missense variant.
Genome position (GRCh38, 1-based): chr1:235,755,510, C>T on the plus strand (G>A on the coding strand, the complement: LYST is on the minus strand). VCF-style: chr1-235755510-C-T. GRCh37 (hg19) VCF-style: chr1-235918810-C-T.
Other names: c.7197G>A, p.Met2399Ile (NM_001301365.1); short protein forms M2399I.
Identifiers: ClinVar variation 1062907 (VCV001062907.5), dbSNP rs2527760520, ClinGen allele CA344934196.

ClinVar aggregate classification (germline): Uncertain significance (1 of 4 stars; one submission).

Conditions:
Chédiak-Higashi syndrome (CHS). Also called: Chediak-Higashi Syndrome. Identifiers: Orphanet 167, MedGen C0007965, MONDO:0008963, OMIM 214500.

Submission:

Labcorp Genetics (formerly Invitae), Labcorp
Classification: Uncertain significance for Chédiak-Higashi syndrome. Last evaluated: 2020-03-16. Review status: criteria provided, single submitter. Criteria: Invitae Variant Classification Sherloc (09022015). Collection method: clinical testing. Allele origin: germline.
Comment: In summary, the available evidence is currently insufficient to determine the role of this variant in disease. Therefore, it has been classified as a Variant of Uncertain Significance. Algorithms developed to predict the effect of missense changes on protein structure and function (SIFT, PolyPhen-2, Align-GVGD) all suggest that this variant is likely to be tolerated, but these predictions have not been confirmed by published functional studies and their clinical significance is uncertain. This variant has not been reported in the literature in individuals with LYST-related conditions. This variant is not present in population databases (ExAC no frequency). This sequence change replaces methionine with isoleucine at codon 2399 of the LYST protein (p.Met2399Ile). The methionine residue is moderately conserved and there is a small physicochemical difference between methionine and isoleucine.